The following is an entry in ClinVar:

NM_000346.4(SOX9):c.522C>A (p.Tyr174Ter)

Gene: SOX9 (SRY-box transcription factor 9; plus strand). Cytogenetic location: 17q24.3.
Variant type: single nucleotide variant.
Coding change: c.522C>A on transcript NM_000346.4 (MANE Select); coding-DNA position 522, C replaced by A.
Protein change: p.Tyr174Ter; replaces tyrosine 174 with a stop codon.
Molecular consequence: nonsense.
Genome position (GRCh38, 1-based): chr17:72,122,809, C>A. VCF-style: chr17-72122809-C-A. GRCh37 (hg19) VCF-style: chr17-70118950-C-A.
Other names: short protein forms Y174*.
Identifiers: ClinVar variation 620560 (VCV000620560.1), dbSNP rs373719106, ClinGen allele CA400866483.

ClinVar aggregate classification (germline): Pathogenic (1 of 4 stars; one submission).

Submission:

GeneDx
Classification: Pathogenic. Last evaluated: 2019-01-22. Review status: criteria provided, single submitter. Criteria: GeneDx Variant Classification (06012015). Collection method: clinical testing. Allele origin: germline. Affected: yes.
Comment: A novel Y174X pathogenic variant was identified in the SOX9 gene. It has not been published as a pathogenic variant, nor has it been reported as a benign variant to our knowledge. The variant is not observed in large population cohorts (Lek et al., 2016). Y174X is predicted to cause loss of normal protein function either through protein truncation or nonsense-mediated mRNA decay. We consider this variant to be pathogenic.